The following is an entry in ClinVar:

ClinVar aggregate classification (germline): Uncertain significance. Review status: criteria provided, multiple submitters, no conflicts (2 of 4 stars). 2 submissions from 2 submitters: Uncertain significance (2). Last evaluated 2019-12-18.

Conditions:
Cardiovascular phenotype. Identifiers: MedGen CN230736.

Allele frequency attached by ClinVar (database versions not stated): TOPMed 0.00001.
gnomAD v4.1: 8 of 1,614,016 alleles (0.0005%); highest among the groups gnomAD compares: Non-Finnish European, 0.00059%; no homozygotes.

Submissions (2):

Ambry Genetics
Classification: Uncertain significance for Cardiovascular phenotype. Last evaluated: 2019-12-18. Review status: criteria provided, single submitter. Criteria: Ambry Variant Classification Scheme 2023. Collection method: clinical testing. Allele origin: germline.
Comment: The p.S821R variant (also known as c.2463T>A), located in coding exon 14 of the TTN gene, results from a T to A substitution at nucleotide position 2463. The serine at codon 821 is replaced by arginine, an amino acid with dissimilar properties. This amino acid position is poorly conserved in available vertebrate species. In addition, this alteration is predicted to be tolerated by in silico analysis. Since supporting evidence is limited at this time, the clinical significance of this alteration remains unclear.

ARUP Laboratories, Molecular Genetics and Genomics, ARUP Laboratories
Classification: Uncertain significance. Last evaluated: 2018-09-26. Review status: criteria provided, single submitter. Criteria: ARUP Molecular Germline Variant Investigation Process. Collection method: clinical testing. Allele origin: germline.
Comment: The TTN c.2601T>A; p.Ser867Arg variant is rare in the general population (<1% allele frequency in the Genome Aggregation Database) and has not been reported in the medical literature in association with dilated cardiomyopathy (DCM) or other TTN-related disease. The clinical relevance of rare missense variants in this gene, which are identified on average once per individual sequenced in affected populations (Herman 2012), is not well understood. Yet, evidence suggests that the vast majority of such missense variants do not contribute to the clinical outcome of DCM (Begay 2015). Thus, the clinical significance of the p.Ser867Arg variant cannot be determined with certainty.

NM_001267550.2(TTN):c.2601T>A (p.Ser867Arg)

Gene: TTN (titin; minus strand). Cytogenetic location: 2q31.2.
Variant type: single nucleotide variant.
Coding change: c.2601T>A on transcript NM_001267550.2 (MANE Select); coding-DNA position 2601, T replaced by A.
Protein change: p.Ser867Arg; replaces serine 867 with arginine.
Molecular consequence: missense variant.
Genome position (GRCh38, 1-based): chr2:178,784,244, A>T on the plus strand (T>A on the coding strand, the complement: TTN is on the minus strand). VCF-style: chr2-178784244-A-T. GRCh37 (hg19) VCF-style: chr2-179648971-A-T.
Other names: c.2601T>A, p.Ser867Arg (NM_001256850.1, NM_133378.4, NM_133379.5); c.2463T>A, p.Ser821Arg (NM_003319.4, NM_133432.3, NM_133437.4); short protein forms S821R, S867R.
Identifiers: ClinVar variation 811128 (VCV000811128.9), dbSNP rs751040739, ClinGen allele CA349496388.